The following is an entry in ClinVar:

ClinVar aggregate classification (germline): Conflicting classifications of pathogenicity. Review status: criteria provided, conflicting classifications (1 of 4 stars). 6 submissions from 6 submitters: Likely pathogenic (1); Uncertain significance (5). Last evaluated 2026-07-14.

Conditions:
Autosomal recessive limb-girdle muscular dystrophy type 2L (LGMDR12). Also called: Limb-girdle muscular dystrophy, type 2L; MUSCULAR DYSTROPHY, LIMB-GIRDLE, AUTOSOMAL RECESSIVE 12; Limb-Girdle Muscular Dystrophy R12 Anoctamin-5-Related (LGMD-R12). Identifiers: Orphanet 206549, MedGen C1969785, MONDO:0012652, OMIM 611307.
Gnathodiaphyseal dysplasia (GDD). Also called: GNATHODIAPHYSEAL SCLEROSIS; OSTEOGENESIS IMPERFECTA WITH UNUSUAL SKELETAL LESIONS. Identifiers: Orphanet 53697, MedGen C1833736, MONDO:0008151, OMIM 166260.

Allele frequency attached by ClinVar (database versions not stated): ExAC 0.00002; gnomAD 0.00006 and 0.00005; TOPMed 0.00006; gnomAD exomes 0.00001 and 0.00002.
gnomAD v4.1: 27 of 1,610,208 alleles (0.0017%); highest among the groups gnomAD compares: African/African-American, 0.011%; no homozygotes.

Submissions (6):

GeneDx
Classification: Likely pathogenic. Last evaluated: 2026-07-14. Review status: criteria provided, single submitter. Criteria: GeneDx Variant Classification Process June 2021. Collection method: clinical testing. Allele origin: germline.
Comment: Has been reported in patients with features of limb-girdle muscular dystrophy in the published literature (PMID: 37526466, 32528171); Not observed at significant frequency in large population cohorts (gnomAD); In silico analysis supports that this missense variant has a deleterious effect on protein structure/function; This variant is associated with the following publications: (PMID: 37526466, 32528171, 30564623)

Labcorp Genetics (formerly Invitae), Labcorp
Classification: Uncertain significance for Autosomal recessive limb-girdle muscular dystrophy type 2L; Gnathodiaphyseal dysplasia. Last evaluated: 2025-04-25. Review status: criteria provided, single submitter. Criteria: Invitae Variant Classification Sherloc (09022015). Collection method: clinical testing. Allele origin: germline.
Comment: This sequence change replaces tyrosine, which is neutral and polar, with cysteine, which is neutral and slightly polar, at codon 250 of the ANO5 protein (p.Tyr250Cys). This variant is present in population databases (rs781734224, gnomAD 0.01%). This missense change has been observed in individual(s) with clinical features of ANO5-related conditions (PMID: 32528171, 37526466; internal data). ClinVar contains an entry for this variant (Variation ID: 286191). Invitae Evidence Modeling of protein sequence and biophysical properties (such as structural, functional, and spatial information, amino acid conservation, physicochemical variation, residue mobility, and thermodynamic stability) indicates that this missense variant is expected to disrupt ANO5 protein function with a positive predictive value of 95%. In summary, the available evidence is currently insufficient to determine the role of this variant in disease. Therefore, it has been classified as a Variant of Uncertain Significance.

Women's Health and Genetics/Laboratory Corporation of America, LabCorp
Classification: Uncertain significance. Last evaluated: 2024-05-14. Review status: criteria provided, single submitter. Criteria: LabCorp Variant Classification Summary - May 2015. Collection method: clinical testing. Allele origin: germline.
Comment: Variant summary: ANO5 c.749A>G (p.Tyr250Cys) results in a non-conservative amino acid change located in the dimerisation domain (IPR032394) of the encoded protein sequence. Five of five in-silico tools predict a damaging effect of the variant on protein function. The variant allele was found at a frequency of 2.4e-05 in 250906 control chromosomes (gnomAD). The available data on variant occurrences in the general population are insufficient to allow any conclusion about variant significance. c.749A>G has been reported in the literature in multiple individuals affected with (suspected) Muscular Dystrophy(e.g. Nallamilli_2018, Topf_2020, Zidkova_2023). These reports do not provide unequivocal conclusions about association of the variant with Limb-Girdle Muscular Dystrophy, Autosomal Recessive. To our knowledge, no experimental evidence demonstrating an impact on protein function has been reported. The following publications have been ascertained in the context of this evaluation (PMID: 30564623, 32528171, 37526466). ClinVar contains an entry for this variant (Variation ID: 286191). Based on the evidence outlined above, the variant was classified as VUS-possibly pathogenic.

Revvity Omics, Revvity
Classification: Uncertain significance. Last evaluated: 2024-04-30. Review status: criteria provided, single submitter. Criteria: ACMG Guidelines, 2015. Collection method: clinical testing. Allele origin: germline.

Eurofins Ntd Llc (ga)
Classification: Uncertain significance. Last evaluated: 2016-08-15. Review status: criteria provided, single submitter. Criteria: EGL Classification Definitions 2015. Collection method: clinical testing. Allele origin: germline. Observed: 3 variant alleles, 3 heterozygotes.

Broad Center for Mendelian Genomics, Broad Institute of MIT and Harvard
Classification: Uncertain significance for Autosomal recessive limb-girdle muscular dystrophy type 2L. Review status: criteria provided, single submitter. Criteria: ACMG Guidelines, 2015. Collection method: research. Allele origin: germline. Inheritance: Autosomal recessive inheritance. Affected: yes. Observed: 1 variant allele, 1 compound heterozygote. Study: Broad Institute Center for Mendelian Genomics (CMG).
Comment: The p.Tyr250Cys variant has been reported as a VUS in 2 individuals in ClinVar (ID: 286191). It has also been identified in 0.01% (1/10378) of African chromosomes by the Genome Aggregation Database (gnomAD). The Tyrosine (Tyr) at position 250 is not conserved in mammals or evolutionary distant species, raising the possibility/supporting that a change at this position may be tolerated. Computational prediction tools and conservation analyses do not provide strong support for or against an impact to the protein. In summary, the clinical significance of the p.Tyr250Cys variant is uncertain.

Literature cited by the submitters: PubMed 32528171 (cited by Labcorp Genetics (formerly Invitae), Labcorp and Women's Health and Genetics/Laboratory Corporation of America, LabCorp); PubMed 37526466 (cited by Labcorp Genetics (formerly Invitae), Labcorp and Women's Health and Genetics/Laboratory Corporation of America, LabCorp); PubMed 30564623 (cited by Women's Health and Genetics/Laboratory Corporation of America, LabCorp).

NM_213599.3(ANO5):c.749A>G (p.Tyr250Cys)

Gene: ANO5 (anoctamin 5; plus strand). Cytogenetic location: 11p14.3.
Variant type: single nucleotide variant.
Coding change: c.749A>G on transcript NM_213599.3 (MANE Select); coding-DNA position 749, A replaced by G.
Protein change: p.Tyr250Cys; replaces tyrosine 250 with cysteine.
Molecular consequence: missense variant.
Genome position (GRCh38, 1-based): chr11:22,236,263, A>G. VCF-style: chr11-22236263-A-G. GRCh37 (hg19) VCF-style: chr11-22257809-A-G.
Other names: c.746A>G, p.Tyr249Cys (NM_001142649.2); short protein forms Y250C, Y249C.
Identifiers: ClinVar variation 286191 (VCV000286191.17), dbSNP rs781734224, ClinGen allele CA5923010.